The following is an entry in ClinVar:

ClinVar aggregate classification (germline): Uncertain significance (1 of 4 stars; one submission).

Conditions:
Neuroblastoma, susceptibility to, 3. Also called: ALK-Related Neuroblastic Tumor Susceptibility. Identifiers: Orphanet 635, MedGen C2751681, MONDO:0013083, OMIM 613014.

Submission:

Labcorp Genetics (formerly Invitae), Labcorp
Classification: Uncertain significance for Neuroblastoma, susceptibility to, 3. Last evaluated: 2018-02-12. Review status: criteria provided, single submitter. Criteria: Invitae Variant Classification Sherloc (09022015). Collection method: clinical testing. Allele origin: germline.
Comment: In summary, the available evidence is currently insufficient to determine the role of this variant in disease. Therefore, it has been classified as a Variant of Uncertain Significance. Algorithms developed to predict the effect of missense changes on protein structure and function (SIFT, PolyPhen-2, Align-GVGD) all suggest that this variant is likely to be tolerated, but these predictions have not been confirmed by published functional studies and their clinical significance is uncertain. This variant has not been reported in the literature in individuals with ALK-related disease. This variant is not present in population databases (ExAC no frequency). This sequence change replaces glutamic acid with glutamine at codon 530 of the ALK protein (p.Glu530Gln). The glutamic acid residue is highly conserved and there is a small physicochemical difference between glutamic acid and glutamine.

NM_004304.5(ALK):c.1588G>C (p.Glu530Gln)

Gene: ALK (ALK receptor tyrosine kinase; minus strand). Cytogenetic location: 2p23.2.
Variant type: single nucleotide variant.
Coding change: c.1588G>C on transcript NM_004304.5 (MANE Select); coding-DNA position 1588, G replaced by C.
Protein change: p.Glu530Gln; replaces glutamic acid 530 with glutamine.
Molecular consequence: missense variant.
Genome position (GRCh38, 1-based): chr2:29,318,363, C>G on the plus strand (G>C on the coding strand, the complement: ALK is on the minus strand). VCF-style: chr2-29318363-C-G. GRCh37 (hg19) VCF-style: chr2-29541229-C-G.
Other names: short protein forms E530Q.
Identifiers: ClinVar variation 573439 (VCV000573439.8), dbSNP rs1558667792, ClinGen allele CA346471195.